The following is an entry in ClinVar:

NM_201253.3(CRB1):c.2462C>T (p.Thr821Met)

Gene: CRB1 (crumbs cell polarity complex component 1; plus strand). Cytogenetic location: 1q31.3.
Variant type: single nucleotide variant.
Coding change: c.2462C>T on transcript NM_201253.3 (MANE Select); coding-DNA position 2462, C replaced by T.
Protein change: p.Thr821Met; replaces threonine 821 with methionine.
Molecular consequence: missense variant. On other transcripts: non-coding transcript variant (2), intron variant (1).
Genome position (GRCh38, 1-based): chr1:197,427,787, C>T. VCF-style: chr1-197427787-C-T. GRCh37 (hg19) VCF-style: chr1-197396917-C-T.
Other names: c.2126C>T, p.Thr709Met (NM_001193640.2); c.2255C>T, p.Thr752Met (NM_001257965.2); c.2128+5831C>T (NM_001257966.2); short protein forms T821M, T752M, T709M.
Identifiers: ClinVar variation 198633 (VCV000198633.64), dbSNP rs142857810, ClinGen allele CA247395.

ClinVar aggregate classification (germline): Conflicting classifications of pathogenicity. Review status: criteria provided, conflicting classifications (1 of 4 stars). 10 submissions from 9 submitters: Uncertain significance (5); Benign (1); Likely benign (2). 2 of the submissions do not count toward it. Last evaluated 2026-01-27.

Conditions:
Retinitis pigmentosa 12 (RP12). Also called: RP WITH OR WITHOUT PRESERVED PARAARTERIOLE RETINAL PIGMENT EPITHELIUM; RETINITIS PIGMENTOSA WITH OR WITHOUT PARAARTERIOLAR PRESERVATION OF RETINAL PIGMENT EPITHELIUM; RP WITH OR WITHOUT PPRPE. Identifiers: Orphanet 791, MedGen C1838647, MONDO:0010818, OMIM 600105.
Leber congenital amaurosis 8 (LCA8). Identifiers: Orphanet 65, MedGen C3151202, MONDO:0013453, OMIM 613835.
Retinal dystrophy. Also called: Inherited retinal dystrophy. Identifiers: Orphanet 71862, MedGen C0854723, MeSH D058499, MONDO:0019118, HP:0000556.

Allele frequency attached by ClinVar (database versions not stated): ESP Exome Variant Server 0.00015; gnomAD 0.00019; ExAC 0.00022; gnomAD exomes 0.00024; TOPMed 0.00029.
gnomAD v4.1: 213 of 1,613,792 alleles (0.013%); highest among the groups gnomAD compares: Middle Eastern, 0.26%; no homozygotes.

Submissions (10):

Labcorp Genetics (formerly Invitae), Labcorp
Classification: Benign for Leber congenital amaurosis 8; Retinitis pigmentosa 12. Last evaluated: 2026-01-27. Review status: criteria provided, single submitter. Criteria: Invitae Variant Classification Sherloc (09022015). Collection method: clinical testing. Allele origin: germline.

Blueprint Genetics
Classification: Likely benign. Last evaluated: 2024-11-07. Review status: criteria provided, single submitter. Criteria: ACMG Guidelines, 2015. Collection method: clinical testing. Allele origin: germline.

Dept Of Ophthalmology, Nagoya University
Classification: Uncertain significance for Retinal dystrophy. Last evaluated: 2023-10-01. Review status: criteria provided, single submitter. Criteria: Submitter's publication. Collection method: research. Allele origin: germline. Affected: yes.

Genome-Nilou Lab
Classification: Uncertain significance for Leber congenital amaurosis 8. Last evaluated: 2021-07-14. Review status: criteria provided, single submitter. Criteria: ACMG Guidelines, 2015. Collection method: clinical testing. Allele origin: germline. Affected: no.

Genome-Nilou Lab
Classification: Uncertain significance for Retinitis pigmentosa 12. Last evaluated: 2021-07-14. Review status: criteria provided, single submitter. Criteria: ACMG Guidelines, 2015. Collection method: clinical testing. Allele origin: germline. Affected: no.

Ocular Genomics Institute, Massachusetts Eye and Ear
Classification: Likely benign for Retinitis pigmentosa 12. Last evaluated: 2021-04-08. Review status: criteria provided, single submitter. Criteria: ACMG Guidelines, 2015. Collection method: research. Allele origin: germline. Affected: yes.
Comment: Through a review of available evidence we were able to apply the following criteria: BP4, BS2, PM1, PM3. Based on this evidence we have classified this variant as Likely Benign.

CeGaT Center for Human Genetics Tuebingen
Classification: Uncertain significance. Last evaluated: 2016-11-01. Review status: criteria provided, single submitter. Criteria: CeGaT Center For Human Genetics Tuebingen Variant Classification Criteria Version 2. Collection method: clinical testing. Allele origin: germline. Affected: yes. Observed: 1 variant allele.

Eurofins Ntd Llc (ga)
Classification: Uncertain significance. Last evaluated: 2014-12-04. Review status: criteria provided, single submitter. Criteria: EGL Classification Definitions 2015. Collection method: clinical testing. Allele origin: germline. Observed: 1 variant allele, 1 heterozygote.

Clinical Genetics, Academic Medical Center
Classification: Uncertain significance. Review status: no assertion criteria provided. Collection method: clinical testing. Allele origin: germline. Affected: yes. Study: VKGL Data-share Consensus. Not counted in ClinVar's aggregate classification.

Joint Genome Diagnostic Labs from Nijmegen and Maastricht, Radboudumc and MUMC+
Classification: Uncertain significance. Review status: no assertion criteria provided. Collection method: clinical testing. Allele origin: germline. Affected: yes. Study: VKGL Data-share Consensus. Not counted in ClinVar's aggregate classification.

Literature cited by the submitters: PubMed 17964524 (cited by Ocular Genomics Institute, Massachusetts Eye and Ear and Eurofins Ntd Llc (ga)); PubMed 27884173 (cited by Ocular Genomics Institute, Massachusetts Eye and Ear).